The following is an entry in ClinVar:

ClinVar aggregate classification (germline): Uncertain significance (1 of 4 stars; one submission).

Submission:

GeneDx
Classification: Uncertain significance. Last evaluated: 2018-05-16. Review status: criteria provided, single submitter. Criteria: GeneDx Variant Classification (06012015). Collection method: clinical testing. Allele origin: germline. Affected: yes.
Comment: The V1065I variant in the BCOR gene has not been reported previously as a pathogenic variant, nor as a benign variant, to our knowledge. The V1065I variant is not observed in large population cohorts (Lek et al., 2016). The V1065I variant is a conservative amino acid substitution, which is not likely to impact secondary protein structure as these residues share similar properties. In-silico analyses, including protein predictors and evolutionary conservation, support that this variant does not alter protein structure/function. We interpret V1065I as a variant of uncertain significance

NM_001123385.2(BCOR):c.3193G>A (p.Val1065Ile)

Gene: BCOR (BCL6 corepressor; minus strand). Cytogenetic location: Xp11.4.
Variant type: single nucleotide variant.
Coding change: c.3193G>A on transcript NM_001123385.2 (MANE Select); coding-DNA position 3193, G replaced by A.
Protein change: p.Val1065Ile; replaces valine 1065 with isoleucine.
Molecular consequence: missense variant.
Genome position (GRCh38, 1-based): chrX:40,071,018, C>T on the plus strand (G>A on the coding strand, the complement: BCOR is on the minus strand). VCF-style: chrX-40071018-C-T. GRCh37 (hg19) VCF-style: chrX-39930271-C-T.
Other names: c.3193G>A, p.Val1065Ile (NM_001123383.2, NM_017745.6); c.3139G>A, p.Val1047Ile (NM_001123384.2); short protein forms V1065I, V1047I.
Identifiers: ClinVar variation 546255 (VCV000546255.2), dbSNP rs1555917318, ClinGen allele CA412740501.